The following is an entry in ClinVar:

ClinVar aggregate classification (germline): Uncertain significance (1 of 4 stars; one submission).

Conditions:
Cardiovascular phenotype. Identifiers: MedGen CN230736.

gnomAD v4.1: 43 of 1,612,496 alleles (0.0027%); highest among the groups gnomAD compares: Admixed American, 0.0083%; no homozygotes.

Submission:

Molecular Diagnostic Laboratory for Inherited Cardiovascular Disease, Montreal Heart Institute
Classification: Uncertain significance for Cardiovascular phenotype. Last evaluated: 2025-04-09. Review status: criteria provided, single submitter. Criteria: ACMG Guidelines, 2015. Collection method: clinical testing. Allele origin: germline. Affected: yes.
Comment: PM2, BP4

NM_198060.4(NRAP):c.2846C>T (p.Ala949Val)

Gene: NRAP (nebulin related anchoring protein; minus strand). Cytogenetic location: 10q25.3.
Variant type: single nucleotide variant.
Coding change: c.2846C>T on transcript NM_198060.4 (MANE Select); coding-DNA position 2846, C replaced by T.
Protein change: p.Ala949Val; replaces alanine 949 with valine.
Molecular consequence: missense variant.
Genome position (GRCh38, 1-based): chr10:113,620,632, G>A on the plus strand (C>T on the coding strand, the complement: NRAP is on the minus strand). VCF-style: chr10-113620632-G-A. GRCh37 (hg19) VCF-style: chr10-115380391-G-A.
Other names: c.2846C>T, p.Ala949Val (NM_001261463.2); c.2738C>T, p.Ala913Val (NM_001322945.2); c.2741C>T, p.Ala914Val (NM_006175.5); short protein forms A913V, A914V, A949V.
Identifiers: ClinVar variation 3895145 (VCV003895145.1), dbSNP rs763519063.